The following is an entry in ClinVar:

NM_002224.4(ITPR3):c.5307+3G>A

Gene: ITPR3 (inositol 1,4,5-trisphosphate receptor type 3; plus strand). Cytogenetic location: 6p21.31.
Variant type: single nucleotide variant.
Coding change: c.5307+3G>A on transcript NM_002224.4 (MANE Select); 3 bases into the intron after coding-DNA position 5307, G replaced by A.
Molecular consequence: intron variant.
Genome position (GRCh38, 1-based): chr6:33,684,946, G>A. VCF-style: chr6-33684946-G-A. GRCh37 (hg19) VCF-style: chr6-33652723-G-A.
Identifiers: ClinVar variation 3047235 (VCV003047235.2), dbSNP rs372556326, ClinGen allele CA137151590.

ClinVar aggregate classification (germline): Likely benign (0 of 4 stars; one submission).

Conditions:
ITPR3-related disorder. Also called: ITPR3-related condition.

Allele frequency attached by ClinVar (database versions not stated): gnomAD exomes below 0.00001; gnomAD 0.00001; TOPMed 0.00004.
gnomAD v4.1: 28 of 1,606,286 alleles (0.0017%); highest among the groups gnomAD compares: Middle Eastern, 0.017%; 1 homozygote.

Submission:

PreventionGenetics, part of Exact Sciences
Classification: Likely benign for ITPR3-related condition. Last evaluated: 2019-03-27. Review status: no assertion criteria provided. Collection method: clinical testing. Allele origin: germline.
Comment: This variant is classified as likely benign based on ACMG/AMP sequence variant interpretation guidelines (Richards et al. 2015 PMID: 25741868, with internal and published modifications).